The following is an entry in ClinVar:

ClinVar aggregate classification (germline): Likely pathogenic (1 of 4 stars; one submission).

Conditions:
Marfan syndrome (MFS). Also called: FBN1-Related Marfan Syndrome; MARFAN SYNDROME, TYPE I; Marfan syndrome type 1; Marfan's syndrome; Marfan syndrome, classic. Identifiers: Orphanet 284963, Orphanet 558, MedGen C0024796, MONDO:0007947, OMIM 154700.
Familial thoracic aortic aneurysm and aortic dissection (TAAD). Also called: Thoracic aortic aneurysms and dissections. Identifiers: Orphanet 91387, MedGen C4707243, MONDO:0019625.

Submission:

Labcorp Genetics (formerly Invitae), Labcorp
Classification: Likely pathogenic for Marfan syndrome; Familial thoracic aortic aneurysm and aortic dissection. Last evaluated: 2023-05-25. Review status: criteria provided, single submitter. Criteria: Invitae Variant Classification Sherloc (09022015). Collection method: clinical testing. Allele origin: germline.
Comment: In summary, the currently available evidence indicates that the variant is pathogenic, but additional data are needed to prove that conclusively. Therefore, this variant has been classified as Likely Pathogenic. This variant disrupts the p.Cys639 amino acid residue in FBN1. Other variant(s) that disrupt this residue have been observed in individuals with FBN1-related conditions (PMID: 31527767, 32154576, 34550612), which suggests that this may be a clinically significant amino acid residue. This variant affects a cysteine residue in the EGF-like, TGFBP or hybrid motif domains of FBN1. Cysteine residues are believed to be involved in intramolecular disulfide bridges and have been shown to be important for FBN1 protein structure (PMID: 16905551, 19349279). In addition, missense substitutions affecting cysteine residues within these domains are significantly overrepresented among patients with Marfan syndrome (PMID: 16571647, 17701892). An algorithm developed to predict the effect of missense changes on protein structure and function (PolyPhen-2) suggests that this variant is likely to be disruptive. ClinVar contains an entry for this variant (Variation ID: 955551). This missense change has been observed in individual(s) with Marfan syndrome (Invitae). Information on the frequency of this variant in the gnomAD database is not available, as this variant may be reported differently in the database. This sequence change replaces cysteine, which is neutral and slightly polar, with leucine, which is neutral and non-polar, at codon 639 of the FBN1 protein (p.Cys639Leu).

Literature cited by the submitters: PubMed 31527767; PubMed 32154576; PubMed 34550612; PubMed 16905551; PubMed 19349279; PubMed 16571647; PubMed 17701892.

NM_000138.5(FBN1):c.1916_1917delinsTG (p.Cys639Leu)

Gene: FBN1 (fibrillin 1; minus strand). Cytogenetic location: 15q21.1.
Variant type: Indel.
Coding change: c.1916_1917delinsTG on transcript NM_000138.5 (MANE Select); coding-DNA positions 1916 to 1917, GC replaced by TG.
Protein change: p.Cys639Leu; replaces cysteine 639 with leucine.
Molecular consequence: missense variant.
Genome position (GRCh38, 1-based): chr15:48,505,068-48,505,069, GC replaced by CA on the plus strand (GC replaced by TG on the coding strand, the reverse complement: FBN1 is on the minus strand). VCF-style: chr15-48505068-GC-CA. GRCh37 (hg19) VCF-style: chr15-48797265-GC-CA.
Other names: short protein forms C639L.
Identifiers: ClinVar variation 955551 (VCV000955551.8), dbSNP rs2043696899, ClinGen allele CA1139663976.
Genomic context (GRCh38, chr15:48,505,068, plus strand): 5'-CCATGATGTTTTCTTACCAACACACACACGGCCATCCAGACCCACAGCCAGTCCAGGGAA[GC>CA]ATTCACATCTGTAGGAGCCATCAGTGTTGACGCAACGCCCATTCATGCAGATCCCAGGGG-3'
Protein context (NP_000129.3, residues 629-649): VNTDGSYRCE[Cys639Leu]FPGLAVGLDG